The following is an entry in ClinVar:

ClinVar aggregate classification (germline): Conflicting classifications of pathogenicity. Review status: criteria provided, conflicting classifications (1 of 4 stars). 2 submissions from 2 submitters: Uncertain significance (1); Likely benign (1). Last evaluated 2025-02-06.

Conditions:
Inborn genetic diseases. Identifiers: MedGen C0950123, MeSH D030342.

Allele frequency attached by ClinVar (database versions not stated): gnomAD exomes 0.00001; gnomAD 0.00001.
gnomAD v4.1: 13 of 1,613,852 alleles (0.00081%); highest among the groups gnomAD compares: Admixed American, 0.0017%; no homozygotes.

Submissions (2):

GeneDx
Classification: Uncertain significance. Last evaluated: 2025-02-06. Review status: criteria provided, single submitter. Criteria: GeneDx Variant Classification Process June 2021. Collection method: clinical testing. Allele origin: germline. Affected: yes.
Comment: Not observed at significant frequency in large population cohorts (gnomAD); In silico analysis indicates that this missense variant does not alter protein structure/function; Has not been previously published as pathogenic or benign to our knowledge

Ambry Genetics
Classification: Likely benign for Inborn genetic diseases. Last evaluated: 2021-11-09. Review status: criteria provided, single submitter. Criteria: Ambry Variant Classification Scheme 2023. Collection method: clinical testing. Allele origin: germline.

NM_213649.2(SFXN4):c.359C>T (p.Thr120Met)

Gene: SFXN4 (sideroflexin 4; minus strand). Cytogenetic location: 10q26.11.
Variant type: single nucleotide variant.
Coding change: c.359C>T on transcript NM_213649.2 (MANE Select); coding-DNA position 359, C replaced by T.
Protein change: p.Thr120Met; replaces threonine 120 with methionine.
Molecular consequence: missense variant. On other transcripts: non-coding transcript variant (1).
Genome position (GRCh38, 1-based): chr10:119,159,729, G>A on the plus strand (C>T on the coding strand, the complement: SFXN4 is on the minus strand). VCF-style: chr10-119159729-G-A. GRCh37 (hg19) VCF-style: chr10-120919241-G-A.
Other names: c.359C>T, p.Thr120Met (NM_213650.1); short protein forms T120M.
Identifiers: ClinVar variation 2259488 (VCV002259488.3), dbSNP rs1254398721, ClinGen allele CA378277642.